The following is an entry in ClinVar:

NM_020822.3(KCNT1):c.1770-7_1785dup

Gene: KCNT1 (potassium sodium-activated channel subfamily T member 1; plus strand). Cytogenetic location: 9q34.3.
Variant type: Duplication.
Coding change: c.1770-7_1785dup on transcript NM_020822.3 (MANE Select); 7 bases into the intron before coding-DNA position 1770 through coding-DNA position 1785, 23 bases duplicated (TGCCCAGGTATGGCGTGTGCCTC).
Molecular consequence: splice acceptor variant.
Genome position (GRCh38, 1-based): chr9:135,770,850-135,770,872, TGCCCAGGTATGGCGTGTGCCTC duplicated; duplicating any 23 consecutive bases within chr9:135,770,843-135,770,872 gives the same sequence; the c. name uses the placement nearest the transcript's 3' end. VCF-style (leftmost placement, unchanged base first): chr9-135770842-G-GGTGCCTCTGCCCAGGTATGGCGT. GRCh37 (hg19) VCF-style: chr9-138662688-G-GGTGCCTCTGCCCAGGTATGGCGT.
Other names: c.1635-7_1650dup (NM_001272003.2).
Identifiers: ClinVar variation 2139367 (VCV002139367.4), dbSNP rs765358427, ClinGen allele CA5327072.

ClinVar aggregate classification (germline): Uncertain significance (1 of 4 stars; one submission).

Conditions:
Autosomal dominant nocturnal frontal lobe epilepsy 5. Also called: Epilepsy, nocturnal frontal lobe, 5; KCNT1-Related Epilepsy; CILIARY DYSKINESIA, PRIMARY, 28, WITHOUT SITUS INVERSUS; CILIARY DYSKINESIA, PRIMARY, 28, WITH SITUS INVERSUS. Identifiers: Orphanet 98784, MedGen C3554306, MONDO:0014002, OMIM 615005.
Developmental and epileptic encephalopathy, 14 (DEE14). Also called: Early infantile epileptic encephalopathy 14. Identifiers: Orphanet 293181, MedGen C3554195, MONDO:0013989, OMIM 614959.

Submission:

Labcorp Genetics (formerly Invitae), Labcorp
Classification: Uncertain significance for Autosomal dominant nocturnal frontal lobe epilepsy 5; Developmental and epileptic encephalopathy, 14. Last evaluated: 2022-01-03. Review status: criteria provided, single submitter. Criteria: Invitae Variant Classification Sherloc (09022015). Collection method: clinical testing. Allele origin: germline.
Comment: This sequence change falls in intron 17 of the KCNT1 gene. It does not directly change the encoded amino acid sequence of the KCNT1 protein. This variant is present in population databases (rs765358427, gnomAD 0.002%). This variant has not been reported in the literature in individuals affected with KCNT1-related conditions. This variant is also known as p.Ile596Cysfs*11. Algorithms developed to predict the effect of sequence changes on RNA splicing suggest that this variant may create or strengthen a splice site. In summary, the available evidence is currently insufficient to determine the role of this variant in disease. Therefore, it has been classified as a Variant of Uncertain Significance.